The following is an entry in ClinVar:

ClinVar aggregate classification (germline): Uncertain significance (1 of 4 stars; one submission).

Submission:

Labcorp Genetics (formerly Invitae), Labcorp
Classification: Uncertain significance. Last evaluated: 2024-06-05. Review status: criteria provided, single submitter. Criteria: Invitae Variant Classification Sherloc (09022015). Collection method: clinical testing. Allele origin: germline.
Comment: This sequence change replaces threonine, which is neutral and polar, with alanine, which is neutral and non-polar, at codon 895 of the ARHGEF1 protein (p.Thr895Ala). This variant is not present in population databases (gnomAD no frequency). This variant has not been reported in the literature in individuals affected with ARHGEF1-related conditions. ClinVar contains an entry for this variant (Variation ID: 1471502). Algorithms developed to predict the effect of missense changes on protein structure and function output the following: SIFT: "Not Available"; PolyPhen-2: "Benign"; Align-GVGD: "Not Available". The alanine amino acid residue is found in multiple mammalian species, which suggests that this missense change does not adversely affect protein function. In summary, the available evidence is currently insufficient to determine the role of this variant in disease. Therefore, it has been classified as a Variant of Uncertain Significance.

NM_004706.4(ARHGEF1):c.2638A>G (p.Thr880Ala)

Gene: ARHGEF1 (Rho guanine nucleotide exchange factor 1; plus strand). Cytogenetic location: 19q13.2.
Variant type: single nucleotide variant.
Coding change: c.2638A>G on transcript NM_004706.4 (MANE Select); coding-DNA position 2638, A replaced by G.
Protein change: p.Thr880Ala; replaces threonine 880 with alanine.
Molecular consequence: missense variant.
Genome position (GRCh38, 1-based): chr19:41,906,603, A>G. VCF-style: chr19-41906603-A-G. GRCh37 (hg19) VCF-style: chr19-42410755-A-G.
Other names: c.2539A>G, p.Thr847Ala (NM_198977.2); c.2683A>G, p.Thr895Ala (NM_199002.2); short protein forms T847A, T895A, T880A.
Identifiers: ClinVar variation 1471502 (VCV001471502.6), dbSNP rs1555850263, ClinGen allele CA406070064.
Genomic context (GRCh38, chr19:41,906,603, plus strand): 5'-GGCCCCCTGAGCCCAGCACGGACCCAGGAAATCCAGGAGAACCTGCTCAGCTTGGAGGAG[A>G]CCATGAAGCAGCTGGAGGTGGGGCGGGACGGGCCAGGGGTGCCCTGAGTGGGCTGGGGAA-3'
Protein context (NP_004697.2, residues 870-890): IQENLLSLEE[Thr880Ala]MKQLEELEEE